The following is an entry in ClinVar:

ClinVar aggregate classification (germline): Uncertain significance. Review status: criteria provided, multiple submitters, no conflicts (2 of 4 stars). 2 submissions from 2 submitters: Uncertain significance (2). Last evaluated 2023-03-09.

Conditions:
Hereditary cancer-predisposing syndrome. Also called: Tumor predisposition; Hereditary Cancer Syndrome; Neoplastic Syndromes, Hereditary; Hereditary neoplastic syndrome. Identifiers: Orphanet 140162, MedGen C0027672, MeSH D009386, MONDO:0015356.
Ataxia-telangiectasia syndrome (AT). Also called: Cerebello-oculocutaneous telangiectasia; Immunodeficiency with ataxia telangiectasia; ATAXIA-TELANGIECTASIA, COMPLEMENTATION GROUP A; ATAXIA-TELANGIECTASIA, FRESNO VARIANT; LOUIS-BAR SYNDROME; Ataxia-telangiectasia, complementation group E. Identifiers: Orphanet 100, MedGen C0004135, MONDO:0008840, OMIM 208900.

Submissions (2):

Ambry Genetics
Classification: Uncertain significance for Hereditary cancer-predisposing syndrome. Last evaluated: 2023-03-09. Review status: criteria provided, single submitter. Criteria: Ambry General Variant Classification Scheme_2022. Collection method: clinical testing. Allele origin: germline.
Comment: The p.H996Y variant (also known as c.2986C>T), located in coding exon 19 of the ATM gene, results from a C to T substitution at nucleotide position 2986. The histidine at codon 996 is replaced by tyrosine, an amino acid with similar properties. This amino acid position is not well conserved in available vertebrate species. In addition, this alteration is predicted to be tolerated by in silico analysis. Since supporting evidence is limited at this time, the clinical significance of this alteration remains unclear.

Labcorp Genetics (formerly Invitae), Labcorp
Classification: Uncertain significance for Ataxia-telangiectasia syndrome. Last evaluated: 2020-08-14. Review status: criteria provided, single submitter. Criteria: Invitae Variant Classification Sherloc (09022015). Collection method: clinical testing. Allele origin: germline.
Comment: This sequence change replaces histidine with tyrosine at codon 996 of the ATM protein (p.His996Tyr). The histidine residue is weakly conserved and there is a moderate physicochemical difference between histidine and tyrosine. In summary, the available evidence is currently insufficient to determine the role of this variant in disease. Therefore, it has been classified as a Variant of Uncertain Significance. Advanced modeling of protein sequence and biophysical properties (such as structural, functional, and spatial information, amino acid conservation, physicochemical variation, residue mobility, and thermodynamic stability) performed at Invitae indicates that this missense variant is not expected to disrupt ATM protein function. This variant has been observed in individual(s) with breast cancer (PMID: 30287823). This variant is not present in population databases (ExAC no frequency).

Literature cited by the submitters: PubMed 30287823 (cited by Labcorp Genetics (formerly Invitae), Labcorp).

NM_000051.4(ATM):c.2986C>T (p.His996Tyr)

Gene: ATM (ATM serine/threonine kinase; plus strand). Cytogenetic location: 11q22.3.
Variant type: single nucleotide variant.
Coding change: c.2986C>T on transcript NM_000051.4 (MANE Select); coding-DNA position 2986, C replaced by T.
Protein change: p.His996Tyr; replaces histidine 996 with tyrosine.
Molecular consequence: missense variant.
Genome position (GRCh38, 1-based): chr11:108,271,315, C>T. VCF-style: chr11-108271315-C-T. GRCh37 (hg19) VCF-style: chr11-108142042-C-T.
Other names: c.2986C>T (NM_000051.3); c.2986C>T, p.His996Tyr (NM_001351834.2); short protein forms H996Y.
Identifiers: ClinVar variation 1018182 (VCV001018182.9), dbSNP rs2081570384, ClinGen allele CA382547336.